The following is an entry in ClinVar:

ClinVar aggregate classification (germline): Uncertain significance (1 of 4 stars; one submission).

Conditions:
Microcephaly-intellectual disability-sensorineural hearing loss-epilepsy-abnormal muscle tone syndrome (NEDHSB). Also called: NEURODEVELOPMENTAL DISORDER WITH HEARING LOSS, SEIZURES, AND BRAIN ABNORMALITIES. Identifiers: Orphanet 457351, MedGen C4225276, MONDO:0014698, OMIM 616577.

Allele frequency attached by ClinVar (database versions not stated): gnomAD exomes below 0.00001.
gnomAD v4.1: 6 of 1,614,046 alleles (0.00037%); highest among the groups gnomAD compares: Non-Finnish European, 0.00042%; no homozygotes.

Submission:

Labcorp Genetics (formerly Invitae), Labcorp
Classification: Uncertain significance for Microcephaly-intellectual disability-sensorineural hearing loss-epilepsy-abnormal muscle tone syndrome. Last evaluated: 2022-08-23. Review status: criteria provided, single submitter. Criteria: Invitae Variant Classification Sherloc (09022015). Collection method: clinical testing. Allele origin: germline.
Comment: This sequence change replaces leucine, which is neutral and non-polar, with valine, which is neutral and non-polar, at codon 637 of the SPATA5 protein (p.Leu637Val). This variant is present in population databases (no rsID available, gnomAD 0.0009%). This variant has not been reported in the literature in individuals affected with SPATA5-related conditions. ClinVar contains an entry for this variant (Variation ID: 655786). Algorithms developed to predict the effect of missense changes on protein structure and function output the following: SIFT: "Deleterious"; PolyPhen-2: "Probably Damaging"; Align-GVGD: "Class C25". The valine amino acid residue is found in multiple mammalian species, which suggests that this missense change does not adversely affect protein function. In summary, the available evidence is currently insufficient to determine the role of this variant in disease. Therefore, it has been classified as a Variant of Uncertain Significance.

NM_145207.3(AFG2A):c.1909C>G (p.Leu637Val)

Gene: AFG2A (AFG2 AAA ATPase homolog A; plus strand). Cytogenetic location: 4q28.1.
Variant type: single nucleotide variant.
Coding change: c.1909C>G on transcript NM_145207.3 (MANE Select); coding-DNA position 1909, C replaced by G.
Protein change: p.Leu637Val; replaces leucine 637 with valine.
Molecular consequence: missense variant.
Genome position (GRCh38, 1-based): chr4:123,028,225, C>G. VCF-style: chr4-123028225-C-G. GRCh37 (hg19) VCF-style: chr4-123949380-C-G.
Other names: c.1906C>G, p.Leu636Val (NM_001317799.2, NM_001345856.2); short protein forms L636V, L637V.
Identifiers: ClinVar variation 655786 (VCV000655786.3), dbSNP rs1303699326, ClinGen allele CA358102321.
Genomic context (GRCh38, chr4:123,028,225, plus strand): 5'-GGAAAATGTTCTATTTTTCAGGTATCCTGGTCAGATATAGGAGGACTGGAAAGTATCAAA[C>G]TGAAGTTGGAACAGGCTGTGGAATGGCCCTTAAAACATCCAGAGTCTTTCATTCGAATGG-3'
Protein context (NP_660208.2, residues 627-647): SDIGGLESIK[Leu637Val]KLEQAVEWPL